The following is an entry in ClinVar:

ClinVar aggregate classification (germline): Likely benign. Review status: criteria provided, single submitter (1 of 4 stars). 2 submissions from 2 submitters: Likely benign (1). 1 of the submissions does not count toward it. Last evaluated 2025-09-10.

Conditions:
Autoimmune lymphoproliferative syndrome type 1. Also called: AUTOIMMUNE LYMPHOPROLIFERATIVE SYNDROME, TYPE I, AUTOSOMAL DOMINANT. Identifiers: Orphanet 3261, MedGen C2717884, MONDO:0011158, OMIM 601859.
FAS-related disorder. Also called: FAS-related condition.

Allele frequency attached by ClinVar (database versions not stated): gnomAD exomes below 0.00001.
gnomAD v4.1: 4 of 1,612,774 alleles (0.00025%); highest among the groups gnomAD compares: South Asian, 0.0011%; no homozygotes.

Submissions (2):

Labcorp Genetics (formerly Invitae), Labcorp
Classification: Likely benign for Autoimmune lymphoproliferative syndrome. Last evaluated: 2025-09-10. Review status: criteria provided, single submitter. Criteria: Invitae Variant Classification Sherloc (09022015). Collection method: clinical testing. Allele origin: germline.

PreventionGenetics, part of Exact Sciences
Classification: Likely benign for FAS-related condition. Last evaluated: 2023-06-02. Review status: no assertion criteria provided. Collection method: clinical testing. Allele origin: germline. Not counted in ClinVar's aggregate classification.
Comment: This variant is classified as likely benign based on ACMG/AMP sequence variant interpretation guidelines (Richards et al. 2015 PMID: 25741868, with internal and published modifications).

NM_000043.6(FAS):c.197-8T>C

Gene: FAS (Fas cell surface death receptor; plus strand). Cytogenetic location: 10q23.31.
Variant type: single nucleotide variant.
Coding change: c.197-8T>C on transcript NM_000043.6 (MANE Select); 8 bases into the intron before coding-DNA position 197, T replaced by C.
Molecular consequence: intron variant.
Genome position (GRCh38, 1-based): chr10:89,007,692, T>C. VCF-style: chr10-89007692-T-C. GRCh37 (hg19) VCF-style: chr10-90767449-T-C.
Other names: c.197-8T>C (NM_152872.4, NM_001320619.2, NM_152871.4 and 1 more transcripts).
Identifiers: ClinVar variation 1566764 (VCV001566764.10), dbSNP rs2133501996, ClinGen allele CA2573145869.